The following is an entry in ClinVar:

NM_001352027.3(PHF21A):c.1183A>G (p.Thr395Ala)

Gene: PHF21A (PHD finger protein 21A; minus strand). Cytogenetic location: 11p11.2.
Variant type: single nucleotide variant.
Coding change: c.1183A>G on transcript NM_001352027.3 (MANE Select); coding-DNA position 1183, A replaced by G.
Protein change: p.Thr395Ala; replaces threonine 395 with alanine.
Molecular consequence: missense variant. On other transcripts: non-coding transcript variant (2).
Genome position (GRCh38, 1-based): chr11:45,949,446, T>C on the plus strand (A>G on the coding strand, the complement: PHF21A is on the minus strand). VCF-style: chr11-45949446-T-C. GRCh37 (hg19) VCF-style: chr11-45970997-T-C.
Other names: c.1180A>G, p.Thr394Ala (NM_001101802.3, NM_001352030.3, NM_001352031.3 and 1 more transcripts); c.1183A>G, p.Thr395Ala (NM_001352025.3, NM_001352026.3, NM_001352028.1 and 2 more transcripts); short protein forms T394A, T395A.
Identifiers: ClinVar variation 3768696 (VCV003768696.1).
Genomic context (GRCh38, chr11:45,949,446, plus strand): 5'-TGCTGGCCAGTAATACCTCTGGCTCAAAGACTGCTCCACTGTAGACCGGATTTGCTGTTG[T>C]TCTTCTTTTTCGCTCTTGCCTCTTGCTTTGGATTTCTTGAGAGAAGAAAAGGTTTTCATT-3'
Protein context (NP_001338956.1, residues 385-405): QSKRQERKRR[Thr395Ala]TANPVYSGAV

ClinVar aggregate classification (germline): Uncertain significance (1 of 4 stars; one submission).

Submission:

Women's Health and Genetics/Laboratory Corporation of America, LabCorp
Classification: Uncertain significance. Last evaluated: 2025-02-07. Review status: criteria provided, single submitter. Criteria: LabCorp Variant Classification Summary - May 2015. Collection method: clinical testing. Allele origin: germline.
Comment: Variant summary: PHF21A c.1180A>G (p.Thr394Ala) results in a non-conservative amino acid change in the encoded protein sequence. Four of five in-silico tools predict a damaging effect of the variant on protein function. The variant was absent in 251464 control chromosomes (gnomAD). The available data on variant occurrences in the general population are insufficient to allow any conclusion about variant significance. To our knowledge, no occurrence of c.1180A>G in individuals affected with Intellectual Developmental Disorder With Behavioral Abnormalities And Craniofacial Dysmorphism With Or Without Seizures and no experimental evidence demonstrating its impact on protein function have been reported. No submitters have cited clinical-significance assessments for this variant to ClinVar. Based on the evidence outlined above, the variant was classified as uncertain significance.